The following is an entry in ClinVar:

NM_000051.4(ATM):c.7590G>T (p.Lys2530Asn)

Genes: ATM (ATM serine/threonine kinase; plus strand), C11orf65 (chromosome 11 open reading frame 65; minus strand). Cytogenetic location: 11q22.3.
Variant type: single nucleotide variant.
Coding change: c.7590G>T on transcript NM_000051.4 (MANE Select); coding-DNA position 7590, G replaced by T.
Protein change: p.Lys2530Asn; replaces lysine 2530 with asparagine.
Molecular consequence: missense variant. On other transcripts: non-coding transcript variant (1), intron variant (2).
Genome position (GRCh38, 1-based): chr11:108,331,518, G>T. VCF-style: chr11-108331518-G-T. GRCh37 (hg19) VCF-style: chr11-108202245-G-T.
Other names: c.7590G>T, p.Lys2530Asn (NM_001351834.2); c.641-22447C>A (NM_001330368.2); c.*38+3702C>A (NM_001351110.2); short protein forms K2530N.
Identifiers: ClinVar variation 2453993 (VCV002453993.2), dbSNP rs2136496233, ClinGen allele CA382560791.
Genomic context (GRCh38, chr11:108,331,518, plus strand): 5'-GATTCCAACATATAAATTTTTGCCTCTTATGTACCAATTGGCTGCTAGAATGGGGACCAA[G>T]ATGATGGGAGGCCTAGGATTTCATGAAGTCCTCAATAATGTAAGTAAACCTGAAAATCAA-3'
Protein context (NP_000042.3, residues 2520-2540): MYQLAARMGT[Lys2530Asn]MMGGLGFHEV

ClinVar aggregate classification (germline): Uncertain significance (1 of 4 stars; one submission).

Conditions:
Hereditary cancer-predisposing syndrome. Also called: Tumor predisposition; Hereditary Cancer Syndrome; Hereditary neoplastic syndrome; Neoplastic Syndromes, Hereditary. Identifiers: Orphanet 140162, MedGen C0027672, MeSH D009386, MONDO:0015356.

Submission:

Ambry Genetics
Classification: Uncertain significance for Hereditary cancer-predisposing syndrome. Last evaluated: 2023-03-11. Review status: criteria provided, single submitter. Criteria: Ambry Variant Classification Scheme 2023. Collection method: clinical testing. Allele origin: germline.
Comment: The p.K2530N variant (also known as c.7590G>T), located in coding exon 50 of the ATM gene, results from a G to T substitution at nucleotide position 7590. The lysine at codon 2530 is replaced by asparagine, an amino acid with similar properties. This amino acid position is highly conserved in available vertebrate species. In addition, the in silico prediction for this alteration is inconclusive. Since supporting evidence is limited at this time, the clinical significance of this alteration remains unclear.